The following is an entry in ClinVar:

NM_014000.3(VCL):c.1647C>G (p.Asp549Glu)

Gene: VCL (vinculin; plus strand). Cytogenetic location: 10q22.2.
Variant type: single nucleotide variant.
Coding change: c.1647C>G on transcript NM_014000.3 (MANE Select); coding-DNA position 1647, C replaced by G.
Protein change: p.Asp549Glu; replaces aspartic acid 549 with glutamic acid.
Molecular consequence: missense variant.
Genome position (GRCh38, 1-based): chr10:74,095,759, C>G. VCF-style: chr10-74095759-C-G. GRCh37 (hg19) VCF-style: chr10-75855517-C-G.
Other names: c.1647C>G, p.Asp549Glu (NM_003373.4); short protein forms D549E.
Identifiers: ClinVar variation 1386759 (VCV001386759.6), dbSNP rs1839958659, ClinGen allele CA377274819.

ClinVar aggregate classification (germline): Uncertain significance (1 of 4 stars; one submission).

Conditions:
Dilated cardiomyopathy 1W (CMD1W). Identifiers: Orphanet 154, MedGen C1969639, MONDO:0012667, OMIM 611407.

Submission:

Labcorp Genetics (formerly Invitae), Labcorp
Classification: Uncertain significance for Dilated cardiomyopathy 1W. Last evaluated: 2021-07-31. Review status: criteria provided, single submitter. Criteria: Invitae Variant Classification Sherloc (09022015). Collection method: clinical testing. Allele origin: germline.
Comment: In summary, the available evidence is currently insufficient to determine the role of this variant in disease. Therefore, it has been classified as a Variant of Uncertain Significance. Algorithms developed to predict the effect of missense changes on protein structure and function output the following: SIFT: "Not Available"; PolyPhen-2: "Benign"; Align-GVGD: "Not Available". The glutamic acid amino acid residue is found in multiple mammalian species, which suggests that this missense change does not adversely affect protein function. This variant has not been reported in the literature in individuals affected with VCL-related conditions. This variant is not present in population databases (ExAC no frequency). This sequence change replaces aspartic acid with glutamic acid at codon 549 of the VCL protein (p.Asp549Glu). The aspartic acid residue is highly conserved and there is a small physicochemical difference between aspartic acid and glutamic acid.